The following is an entry in ClinVar:

NM_006231.4(POLE):c.6047G>A (p.Arg2016Lys)

Gene: POLE (DNA polymerase epsilon, catalytic subunit; minus strand). Cytogenetic location: 12q24.33.
Variant type: single nucleotide variant.
Coding change: c.6047G>A on transcript NM_006231.4 (MANE Select); coding-DNA position 6047, G replaced by A.
Protein change: p.Arg2016Lys; replaces arginine 2016 with lysine.
Molecular consequence: missense variant.
Genome position (GRCh38, 1-based): chr12:132,632,753, C>T on the plus strand (G>A on the coding strand, the complement: POLE is on the minus strand). VCF-style: chr12-132632753-C-T. GRCh37 (hg19) VCF-style: chr12-133209339-C-T.
Other names: short protein forms R2016K.
Identifiers: ClinVar variation 1751252 (VCV001751252.2), dbSNP rs2541856123, ClinGen allele CA387370768.

ClinVar aggregate classification (germline): Uncertain significance (1 of 4 stars; one submission).

Conditions:
Hereditary cancer-predisposing syndrome. Also called: Hereditary Cancer Syndrome; Hereditary neoplastic syndrome; Neoplastic Syndromes, Hereditary; Tumor predisposition. Identifiers: Orphanet 140162, MedGen C0027672, MeSH D009386, MONDO:0015356.

Submission:

Ambry Genetics
Classification: Uncertain significance for Hereditary cancer-predisposing syndrome. Last evaluated: 2021-08-05. Review status: criteria provided, single submitter. Criteria: Ambry Variant Classification Scheme 2023. Collection method: clinical testing. Allele origin: germline.
Comment: The p.R2016K variant (also known as c.6047G>A), located in coding exon 44 of the POLE gene, results from a G to A substitution at nucleotide position 6047. The arginine at codon 2016 is replaced by lysine, an amino acid with highly similar properties. This amino acid position is conserved. In addition, this alteration is predicted to be tolerated by in silico analysis. Since supporting evidence is limited at this time, the clinical significance of this alteration remains unclear.